The following is an entry in ClinVar:

NM_001376.5(DYNC1H1):c.8977A>G (p.Ile2993Val)

Genes: DYNC1H1 (dynein cytoplasmic 1 heavy chain 1; plus strand), LOC126862060 (BRD4-independent group 4 enhancer GRCh37_chr14:102493659-102494858; plus strand). Cytogenetic location: 14q32.31.
Variant type: single nucleotide variant.
Coding change: c.8977A>G on transcript NM_001376.5 (MANE Select); coding-DNA position 8977, A replaced by G.
Protein change: p.Ile2993Val; replaces isoleucine 2993 with valine.
Molecular consequence: missense variant.
Genome position (GRCh38, 1-based): chr14:102,027,473, A>G. VCF-style: chr14-102027473-A-G. GRCh37 (hg19) VCF-style: chr14-102493810-A-G.
Other names: short protein forms I2993V.
Identifiers: ClinVar variation 434989 (VCV000434989.14), dbSNP rs1187943520, ClinGen allele CA391010795.

ClinVar aggregate classification (germline): Conflicting classifications of pathogenicity. Review status: criteria provided, conflicting classifications (1 of 4 stars). 2 submissions from 2 submitters: Uncertain significance (1); Likely benign (1). Last evaluated 2025-02-16.

Conditions:
Charcot-Marie-Tooth disease axonal type 2O. Also called: CHARCOT-MARIE-TOOTH NEUROPATHY, AXONAL, TYPE 2O; CHARCOT-MARIE-TOOTH DISEASE, AXONAL, AUTOSOMAL DOMINANT, TYPE 2O; Charcot-Marie-Tooth disease, axonal, type 20; Charcot-Marie-Tooth Neuropathy Type 2O. Identifiers: Orphanet 284232, MedGen C3280220, MONDO:0013644, OMIM 614228.

Allele frequency attached by ClinVar (database versions not stated): gnomAD exomes below 0.00001 and 0.00003; gnomAD 0.00002; TOPMed 0.00002.
gnomAD v4.1: 43 of 1,614,094 alleles (0.0027%); highest among the groups gnomAD compares: Non-Finnish European, 0.0036%; no homozygotes.

Submissions (2):

Labcorp Genetics (formerly Invitae), Labcorp
Classification: Uncertain significance for Charcot-Marie-Tooth disease axonal type 2O. Last evaluated: 2025-02-16. Review status: criteria provided, single submitter. Criteria: Invitae Variant Classification Sherloc (09022015). Collection method: clinical testing. Allele origin: germline.
Comment: This sequence change replaces isoleucine, which is neutral and non-polar, with valine, which is neutral and non-polar, at codon 2993 of the DYNC1H1 protein (p.Ile2993Val). This variant is present in population databases (no rsID available, gnomAD 0.0009%). This variant has not been reported in the literature in individuals affected with DYNC1H1-related conditions. ClinVar contains an entry for this variant (Variation ID: 434989). Invitae Evidence Modeling of protein sequence and biophysical properties (such as structural, functional, and spatial information, amino acid conservation, physicochemical variation, residue mobility, and thermodynamic stability) has been performed for this missense variant. However, the output from this modeling did not meet the statistical confidence thresholds required to predict the impact of this variant on DYNC1H1 protein function. In summary, the available evidence is currently insufficient to determine the role of this variant in disease. Therefore, it has been classified as a Variant of Uncertain Significance.

Genetic Services Laboratory, University of Chicago
Classification: Likely benign. Last evaluated: 2016-09-20. Review status: criteria provided, single submitter. Criteria: ACMG Guidelines, 2015. Collection method: clinical testing. Allele origin: germline. Affected: no.